The following is an entry in ClinVar:

NM_002637.4(PHKA1):c.864+11A>G

Gene: PHKA1 (phosphorylase kinase regulatory subunit alpha 1; minus strand). Cytogenetic location: Xq13.1.
Variant type: single nucleotide variant.
Coding change: c.864+11A>G on transcript NM_002637.4 (MANE Select); 11 bases into the intron after coding-DNA position 864, A replaced by G.
Molecular consequence: intron variant.
Genome position (GRCh38, 1-based): chrX:72,666,140, T>C on the plus strand (A>G on the coding strand, the complement: PHKA1 is on the minus strand). VCF-style: chrX-72666140-T-C. GRCh37 (hg19) VCF-style: chrX-71885990-T-C.
Other names: c.864+11A>G (NM_001172436.2, NM_001122670.2).
Identifiers: ClinVar variation 368650 (VCV000368650.13), dbSNP rs181490917, ClinGen allele CA10450994.
Genomic context (GRCh38, chrX:72,666,140, plus strand): 5'-AAGGCCCCCAAAGGCACAATTTATCCTTAAAGTCACAGCCTTAAAGAAAACAAAGGTACA[T>C]AGGGACATACCTGAAGCTTGGTGATGATTTCCTGTTTTGTGAGCTCCACCAACTGGCTAT-3'

ClinVar aggregate classification (germline): Benign/Likely benign. Review status: criteria provided, multiple submitters, no conflicts (2 of 4 stars). 4 submissions from 4 submitters: Benign (2); Likely benign (2). Last evaluated 2026-01-28.

Conditions:
Glycogen storage disease IXd (GSD9D). Also called: Muscle Phosphorylase Kinase Deficiency; GSD IXd. Identifiers: Orphanet 715, MedGen C1845151, MONDO:0010362, OMIM 300559.

Allele frequency attached by ClinVar (database versions not stated): 1000 Genomes Project 30x 0.00042; 1000 Genomes Project 0.00053; gnomAD exomes 0.00090 and 0.00124; gnomAD 0.00101 and 0.00116; TOPMed 0.00101; ESP Exome Variant Server 0.00104; ExAC 0.00105.
gnomAD v4.1: 1,462 of 1,208,090 alleles (0.12%); highest among the groups gnomAD compares: Non-Finnish European, 0.14%; 1 homozygote.

Submissions (4):

Labcorp Genetics (formerly Invitae), Labcorp
Classification: Benign for Glycogen storage disease IXd. Last evaluated: 2026-01-28. Review status: criteria provided, single submitter. Criteria: Invitae Variant Classification Sherloc (09022015). Collection method: clinical testing. Allele origin: germline.

Blueprint Genetics
Classification: Likely benign. Last evaluated: 2024-10-16. Review status: criteria provided, single submitter. Criteria: ACMG Guidelines, 2015. Collection method: clinical testing. Allele origin: germline.

GeneDx
Classification: Likely benign. Last evaluated: 2018-02-06. Review status: criteria provided, single submitter. Criteria: GeneDx Variant Classification (06012015). Collection method: clinical testing. Allele origin: germline. Affected: yes.
Comment: This variant is considered likely benign or benign based on one or more of the following criteria: it is a conservative change, it occurs at a poorly conserved position in the protein, it is predicted to be benign by multiple in silico algorithms, and/or has population frequency not consistent with disease.

Illumina Laboratory Services, Illumina
Classification: Benign for Glycogen storage disease IXd. Last evaluated: 2018-01-13. Review status: criteria provided, single submitter. Criteria: ICSL Variant Classification Criteria 13 December 2019. Collection method: clinical testing. Allele origin: germline.
Comment: This variant was observed in the ICSL laboratory as part of a predisposition screen in an ostensibly healthy population. It had not been previously curated by ICSL or reported in the Human Gene Mutation Database (HGMD: prior to June 1st, 2018), and was therefore a candidate for classification through an automated scoring system. Utilizing variant allele frequency, disease prevalence and penetrance estimates, and inheritance mode, an automated score was calculated to assess if this variant is too frequent to cause the disease. Based on the score and internal cut-off values, a variant classified as benign is not then subjected to further curation. The score for this variant resulted in a classification of benign for this disease.